The following is an entry in ClinVar:

NM_000092.5(COL4A4):c.2599G>T (p.Gly867Ter)

Gene: COL4A4 (collagen type IV alpha 4 chain; minus strand). Cytogenetic location: 2q36.3.
Variant type: single nucleotide variant.
Coding change: c.2599G>T on transcript NM_000092.5 (MANE Select); coding-DNA position 2599, G replaced by T.
Protein change: p.Gly867Ter; replaces glycine 867 with a stop codon.
Molecular consequence: nonsense.
Genome position (GRCh38, 1-based): chr2:227,056,062, C>A on the plus strand (G>T on the coding strand, the complement: COL4A4 is on the minus strand). VCF-style: chr2-227056062-C-A. GRCh37 (hg19) VCF-style: chr2-227920778-C-A.
Other names: short protein forms G867*.
Identifiers: ClinVar variation 984051 (VCV000984051.3), dbSNP rs768902127, ClinGen allele CA350841040.

ClinVar aggregate classification (germline): Likely pathogenic (1 of 4 stars; one submission).

Conditions:
Autosomal recessive Alport syndrome (ATS2). Also called: ALPORT SYNDROME 2, AUTOSOMAL RECESSIVE; Alport syndrome type 2; COL4A4 Alport Syndrome and Thin Basement Membrane Nephropathy; COL4A3-Related Nephropathy. Identifiers: Orphanet 63, Orphanet 88919, MedGen C4746745, MONDO:0008762, OMIM 203780.

Submission:

Myriad Genetics, Inc.
Classification: Likely pathogenic for Autosomal recessive Alport syndrome. Last evaluated: 2020-02-05. Review status: criteria provided, single submitter. Criteria: Myriad Women's Health Autosomal Recessive and X-Linked Classification Criteria (2019). Collection method: clinical testing. Allele origin: unknown.
Comment: NM_000092.4(COL4A4):c.2599G>T(G867*) is expected to be pathogenic in the context of COL4A4-related Alport syndrome. This variant is predicted to lead to an abnormal or absent protein product due to the creation of a premature termination codon in COL4A4, a gene where loss-of-function variants are known to be pathogenic. Please note: this variant was assessed in the context of healthy population screening.